The following is an entry in ClinVar:

ClinVar aggregate classification (germline): Uncertain significance. Review status: criteria provided, multiple submitters, no conflicts (2 of 4 stars). 9 submissions from 9 submitters: Uncertain significance (9). Last evaluated 2025-06-09.

Conditions:
Familial cancer of breast. Also called: BREAST CANCER, FAMILIAL; hereditary breast carcinoma; Hereditary breast cancer. Identifiers: Orphanet 227535, MedGen C0346153, MONDO:0016419, OMIM 114480. Disease mechanism: loss of function.
Ovarian cancer. Also called: OVARIAN CANCER, SOMATIC. Identifiers: Orphanet 213500, MedGen C1140680, MONDO:0008170, OMIM 167000.
Hereditary cancer-predisposing syndrome. Also called: Hereditary neoplastic syndrome; Neoplastic Syndromes, Hereditary; Tumor predisposition; Hereditary Cancer Syndrome. Identifiers: Orphanet 140162, MedGen C0027672, MeSH D009386, MONDO:0015356.
Hereditary breast ovarian cancer syndrome. Also called: Hereditary breast and/or ovarian cancer syndrome; BRCA1- and BRCA2-Associated Hereditary Breast and Ovarian Cancer; Hereditary breast and ovarian cancer; Breast and ovarian cancer; Hereditary breast and ovarian cancer syndrome; Hereditary breast and ovarian cancer syndrome (HBOC). Identifiers: Orphanet 145, MedGen C0677776, MeSH D061325, MONDO:0003582. Disease mechanism: loss of function.
Hereditary diffuse gastric adenocarcinoma (HDGC). Also called: DIFFUSE GASTRIC AND LOBULAR BREAST CANCER SYNDROME. Identifiers: Orphanet 26106, MedGen C1708349, MONDO:0007648, OMIM 137215.

Allele frequency attached by ClinVar (database versions not stated): gnomAD exomes below 0.00001 and 0.00001; TOPMed below 0.00001; ExAC 0.00001.
gnomAD v4.1: 3 of 1,613,946 alleles (0.00019%); highest among the groups gnomAD compares: East Asian, 0.0067%; no homozygotes.

Submissions (9):

Labcorp Genetics (formerly Invitae), Labcorp
Classification: Uncertain significance for Hereditary diffuse gastric adenocarcinoma. Last evaluated: 2025-06-09. Review status: criteria provided, single submitter. Criteria: Invitae Variant Classification Sherloc (09022015). Collection method: clinical testing. Allele origin: germline.
Comment: This sequence change replaces proline, which is neutral and non-polar, with serine, which is neutral and polar, at codon 740 of the CDH1 protein (p.Pro740Ser). This variant is present in population databases (rs773795943, gnomAD 0.006%). This variant has not been reported in the literature in individuals affected with CDH1-related conditions. ClinVar contains an entry for this variant (Variation ID: 463748). An algorithm developed to predict the effect of missense changes on protein structure and function (PolyPhen-2) suggests that this variant is likely to be disruptive. In summary, the available evidence is currently insufficient to determine the role of this variant in disease. Therefore, it has been classified as a Variant of Uncertain Significance.

Ambry Genetics
Classification: Uncertain significance for Hereditary cancer-predisposing syndrome. Last evaluated: 2025-03-05. Review status: criteria provided, single submitter. Criteria: Ambry Variant Classification Scheme 2023. Collection method: clinical testing. Allele origin: germline.
Comment: The p.P740S variant (also known as c.2218C>T), located in coding exon 14 of the CDH1 gene, results from a C to T substitution at nucleotide position 2218. The proline at codon 740 is replaced by serine, an amino acid with similar properties. This alteration was observed with an allele frequency of 0.0000 in 7,051 unselected female breast cancer patients and was observed with an allele frequency of 0.00018 in 11,241 female controls of Japanese ancestry. In addition, it was observed with an allele frequency of 0.0000 in 53 unselected male breast cancer patients and was observed with an allele frequency of 0.0003 in 12,490 male controls of Japanese ancestry (Momozawa Y et al. Nat Commun, 2018 10;9:4083). This amino acid position is highly conserved in available vertebrate species. In addition, the in silico prediction for this alteration is inconclusive. Since supporting evidence is limited at this time, the clinical significance of this alteration remains unclear.

Baylor Genetics
Classification: Uncertain significance for Familial cancer of breast. Last evaluated: 2024-02-25. Review status: criteria provided, single submitter. Criteria: ACMG Guidelines, 2015. Collection method: clinical testing. Allele origin: unknown.

Quest Diagnostics Nichols Institute San Juan Capistrano
Classification: Uncertain significance. Last evaluated: 2023-12-12. Review status: criteria provided, single submitter. Criteria: Quest Diagnostics criteria. Collection method: clinical testing. Allele origin: unknown.
Comment: The CDH1 c.2218C>T (p.Pro740Ser) variant has been reported in the published literature in an individual with breast cancer as well as in an unaffected individual in a large scale breast cancer association study (PMID: 33471991 (2021), see also LOVD). It was also found in unaffected individuals in a breast cancer study (PMID: 30287823 (2018)) and a biliary tract cancer study (PMID: 36243179 (2022)). The frequency of this variant in the general population, 0.000004 (1/251468 chromosomes (Genome Aggregation Database)), is uninformative in the assessment of its pathogenicity. Analysis of this variant using bioinformatics tools for the prediction of the effect of amino acid changes on protein structure and function yielded conflicting predictions that this variant is benign or damaging. Based on the available information, we are unable to determine the clinical significance of this variant.

Department of Pathology and Laboratory Medicine, Sinai Health System
Classification: Uncertain significance for Familial cancer of breast; Ovarian cancer. Last evaluated: 2021-03-15. Review status: criteria provided, single submitter. Criteria: ACMG Guidelines, 2015. Collection method: clinical testing. Allele origin: germline. Affected: yes.

GeneDx
Classification: Uncertain significance. Last evaluated: 2019-12-24. Review status: criteria provided, single submitter. Criteria: GeneDx Variant Classification Process June 2021. Collection method: clinical testing. Allele origin: germline. Affected: yes.
Comment: Not observed at a significant frequency in large population cohorts (Lek 2016); In silico analysis, which includes protein predictors and evolutionary conservation, supports a deleterious effect; Not detected in any female or male cases in a breast cancer study, but was detected in the unaffected controls (Momozawa 2018); This variant is associated with the following publications: (PMID: 29338689, 30287823, 29936259)

Cancer Genomics Group, Japanese Foundation For Cancer Research
Classification: Uncertain significance for Hereditary breast and ovarian cancer syndrome. Last evaluated: 2019-05-01. Review status: criteria provided, single submitter. Criteria: ACMG Guidelines, 2015. Collection method: research. Allele origin: germline. Affected: yes.

Color Diagnostics, LLC DBA Color Health
Classification: Uncertain significance for Hereditary cancer-predisposing syndrome. Last evaluated: 2019-04-19. Review status: criteria provided, single submitter. Criteria: ACMG Guidelines, 2015. Collection method: clinical testing. Allele origin: germline.

Women's Health and Genetics/Laboratory Corporation of America, LabCorp
Classification: Uncertain significance. Last evaluated: 2016-07-01. Review status: criteria provided, single submitter. Criteria: LabCorp Variant Classification Summary - May 2015. Collection method: clinical testing. Allele origin: germline.
Comment: Variant summary: The CDH1 c.2218C>T (p.Pro740Ser) variant involves the alteration of a conserved nucleotide. 3/4 in silico tools predict a damaging outcome for this variant (SNPs&GO not captured due to low reliability index). 5/5 splice prediction tools predict no significant impact on normal splicing. ESE finder predicts that this variant may affect ESE site of SC35. However, these predictions have yet to be confirmed by functional studies. This variant was found in 1/121412 control chromosomes at a frequency of 0.0000082, which does not exceed the estimated maximal expected allele frequency of a pathogenic CDH1 variant (0.0000283). Because of the absence of clinical information and the lack of functional studies, the variant is classified as a variant of uncertain significance (VUS) until additional information becomes available.

Literature cited by the submitters: PubMed 30287823 (cited by Ambry Genetics and Quest Diagnostics Nichols Institute San Juan Capistrano); PubMed 32566746 (cited by Quest Diagnostics Nichols Institute San Juan Capistrano); PubMed 36243179 (cited by Quest Diagnostics Nichols Institute San Juan Capistrano); PubMed 33471991 (cited by Quest Diagnostics Nichols Institute San Juan Capistrano).

NM_004360.5(CDH1):c.2218C>T (p.Pro740Ser)

Gene: CDH1 (cadherin 1; plus strand). Cytogenetic location: 16q22.1.
Variant type: single nucleotide variant.
Coding change: c.2218C>T on transcript NM_004360.5 (MANE Select); coding-DNA position 2218, C replaced by T.
Protein change: p.Pro740Ser; replaces proline 740 with serine.
Molecular consequence: missense variant.
Genome position (GRCh38, 1-based): chr16:68,828,227, C>T. VCF-style: chr16-68828227-C-T. GRCh37 (hg19) VCF-style: chr16-68862130-C-T.
Other names: c.2218C>T (LRG_301t1); c.2035C>T, p.Pro679Ser (NM_001317184.2); c.670C>T, p.Pro224Ser (NM_001317185.2); c.253C>T, p.Pro85Ser (NM_001317186.2); short protein forms P740S, P679S, P224S, P85S.
Identifiers: ClinVar variation 463748 (VCV000463748.22), dbSNP rs773795943, ClinGen allele CA8130230.